The following is an entry in ClinVar:

NM_000209.4(PDX1):c.300C>T (p.Phe100=)

Gene: PDX1 (pancreatic and duodenal homeobox 1; plus strand). Cytogenetic location: 13q12.2.
Variant type: single nucleotide variant.
Coding change: c.300C>T on transcript NM_000209.4 (MANE Select); coding-DNA position 300, C replaced by T.
Protein change: p.Phe100=; no amino-acid change (phenylalanine 100 retained).
Molecular consequence: synonymous variant.
Genome position (GRCh38, 1-based): chr13:27,920,438, C>T. VCF-style: chr13-27920438-C-T. GRCh37 (hg19) VCF-style: chr13-28494575-C-T.
Identifiers: ClinVar variation 3033038 (VCV003033038.3), dbSNP rs752260094, ClinGen allele CA6927611.

ClinVar aggregate classification (germline): Likely benign. Review status: criteria provided, single submitter (1 of 4 stars). 2 submissions from 2 submitters: Likely benign (1). 1 of the submissions does not count toward it. Last evaluated 2025-01-17.

Conditions:
PDX1-related disorder. Also called: PDX1-related condition; PDX1-related disorders.

Allele frequency attached by ClinVar (database versions not stated): gnomAD 0.00002; TOPMed 0.00002; ExAC 0.00012.
gnomAD v4.1: 43 of 1,583,544 alleles (0.0027%); highest among the groups gnomAD compares: Middle Eastern, 0.052%; no homozygotes.

Submissions (2):

ARUP Laboratories, Molecular Genetics and Genomics, ARUP Laboratories
Classification: Likely benign. Last evaluated: 2025-01-17. Review status: criteria provided, single submitter. Criteria: ARUP Molecular Germline Variant Investigation Process 2024. Collection method: clinical testing. Allele origin: germline.

PreventionGenetics, part of Exact Sciences
Classification: Likely benign for PDX1-related condition. Last evaluated: 2020-09-30. Review status: no assertion criteria provided. Collection method: clinical testing. Allele origin: germline. Not counted in ClinVar's aggregate classification.
Comment: This variant is classified as likely benign based on ACMG/AMP sequence variant interpretation guidelines (Richards et al. 2015 PMID: 25741868, with internal and published modifications).